The following is an entry in ClinVar:

ClinVar aggregate classification (germline): Likely pathogenic (1 of 4 stars; one submission).

Conditions:
Tyrosinase-positive oculocutaneous albinism (OCA2). Also called: ALBINISM II; Albinism, oculocutaneous, type II; Oculocutaneous albinism type 2. Identifiers: Orphanet 79432, MedGen C0268495, MONDO:0008746, OMIM 203200.

Submission:

Illumina Laboratory Services, Illumina
Classification: Likely pathogenic for Tyrosinase-positive oculocutaneous albinism. Last evaluated: 2020-02-28. Review status: criteria provided, single submitter. Criteria: ICSLVariantClassificationCriteria RUGD 01 April 2020. Collection method: clinical testing. Allele origin: unknown.
Comment: The OCA2 c.1319T>C (p.Leu440Ser) variant is a missense variant. A literature search was performed for the gene, cDNA change, and amino acid change. No publications were found based on this search. This variant is not found in the Genome Aggregation Database in a region of good sequencing coverage, so the variant is presumed to be rare. Multiple in silico analyses predict that this variant is deleterious. Based on the variant's rarity, its presence in trans with a likely pathogenic variant, and the application of ACMG criteria, the p.Leu440Ser variant is classified as likely pathogenic for oculocutaneous albinism type 2.

NM_000275.3(OCA2):c.1319T>C (p.Leu440Ser)

Gene: OCA2 (OCA2 melanosomal transmembrane protein; minus strand). Cytogenetic location: 15q13.1.
Variant type: single nucleotide variant.
Coding change: c.1319T>C on transcript NM_000275.3 (MANE Select); coding-DNA position 1319, T replaced by C.
Protein change: p.Leu440Ser; replaces leucine 440 with serine.
Molecular consequence: missense variant.
Genome position (GRCh38, 1-based): chr15:27,985,109, A>G on the plus strand (T>C on the coding strand, the complement: OCA2 is on the minus strand). VCF-style: chr15-27985109-A-G. GRCh37 (hg19) VCF-style: chr15-28230255-A-G.
Other names: c.1247T>C, p.Leu416Ser (NM_001300984.2); short protein forms L416S, L440S.
Identifiers: ClinVar variation 973316 (VCV000973316.4), dbSNP rs2041306355, ClinGen allele CA391360583.
Genomic context (GRCh38, chr15:27,985,109, plus strand): 5'-AGGTGCTTTGCGTACCTTATGGTCACAGGCGTGAAGAGGAGCATGGTGGTGACGTTGTCC[A>G]AGAAGGCAGAGAGGACGGCCGCGATGAGACAGAGCATGATGATCATGGCCCACACCCGTC-3'
Protein context (NP_000266.2, residues 430-450): CLIAAVLSAF[Leu440Ser]DNVTTMLLFT